The following is an entry in ClinVar:

NM_001135254.2(PAX7):c.336G>T (p.Pro112=)

Gene: PAX7 (paired box 7; plus strand). Cytogenetic location: 1p36.13.
Variant type: single nucleotide variant.
Coding change: c.336G>T on transcript NM_001135254.2 (MANE Select); coding-DNA position 336, G replaced by T.
Protein change: p.Pro112=; no amino-acid change (proline 112 retained).
Molecular consequence: synonymous variant.
Genome position (GRCh38, 1-based): chr1:18,635,125, G>T. VCF-style: chr1-18635125-G-T. GRCh37 (hg19) VCF-style: chr1-18961619-G-T.
Other names: c.336G>T, p.Pro112= (NM_002584.3, NM_013945.3).
Identifiers: ClinVar variation 3053824 (VCV003053824.2), dbSNP rs371150760, ClinGen allele CA18738283.

ClinVar aggregate classification (germline): Likely benign (0 of 4 stars; one submission).

Conditions:
PAX7-related disorder. Also called: PAX7-related condition.

Submission:

PreventionGenetics, part of Exact Sciences
Classification: Likely benign for PAX7-related condition. Last evaluated: 2019-08-15. Review status: no assertion criteria provided. Collection method: clinical testing. Allele origin: germline.
Comment: This variant is classified as likely benign based on ACMG/AMP sequence variant interpretation guidelines (Richards et al. 2015 PMID: 25741868, with internal and published modifications).